The following is an entry in ClinVar:

NM_000090.4(COL3A1):c.1652C>G (p.Pro551Arg)

Gene: COL3A1 (collagen type III alpha 1 chain; plus strand). Cytogenetic location: 2q32.2.
Variant type: single nucleotide variant.
Coding change: c.1652C>G on transcript NM_000090.4 (MANE Select); coding-DNA position 1652, C replaced by G.
Protein change: p.Pro551Arg; replaces proline 551 with arginine.
Molecular consequence: missense variant.
Genome position (GRCh38, 1-based): chr2:188,996,168, C>G. VCF-style: chr2-188996168-C-G. GRCh37 (hg19) VCF-style: chr2-189860894-C-G.
Other names: short protein forms P551R.
Identifiers: ClinVar variation 925259 (VCV000925259.7), dbSNP rs868705044, ClinGen allele CA349852508.

ClinVar aggregate classification (germline): Uncertain significance. Review status: criteria provided, multiple submitters, no conflicts (2 of 4 stars). 2 submissions from 2 submitters: Uncertain significance (2). Last evaluated 2024-03-07.

Conditions:
Ehlers-Danlos syndrome, type 4 (EDSVASC). Also called: Ehlers-Danlos syndrome vascular type; Ehlers Danlos syndrome, ecchymotic type; Ehlers Danlos syndrome, arterial type; Ehlers Danlos syndrome, Sack-Barabas type; Ehlers-Danlos Syndrome Type IV. Identifiers: Orphanet 286, MedGen C0268338, MONDO:0017314, OMIM 130050.
Familial thoracic aortic aneurysm and aortic dissection (TAAD). Also called: Thoracic aortic aneurysms and dissections. Identifiers: Orphanet 91387, MedGen C4707243, MONDO:0019625.

Allele frequency attached by ClinVar (database versions not stated): gnomAD exomes below 0.00001; TOPMed below 0.00001.
gnomAD v4.1: 1 of 1,613,418 alleles (0.000062%); highest among the groups gnomAD compares: Non-Finnish European, 0.000085%; no homozygotes.

Submissions (2):

Color Diagnostics, LLC DBA Color Health
Classification: Uncertain significance for Familial thoracic aortic aneurysm and aortic dissection. Last evaluated: 2024-03-07. Review status: criteria provided, single submitter. Criteria: ACMG Guidelines, 2015. Collection method: clinical testing. Allele origin: germline.
Comment: This missense variant replaces proline with arginine at codon 551 of the COL3A1 protein. Computational prediction suggests that this variant may not impact protein structure and function (internally defined REVEL score threshold <= 0.5, PMID: 27666373). To our knowledge, functional studies have not been reported for this variant. This variant has not been reported in individuals affected with cardiovascular disorders in the literature. This variant has not been identified in the general population by the Genome Aggregation Database (gnomAD). The available evidence is insufficient to determine the role of this variant in disease conclusively. Therefore, this variant is classified as a Variant of Uncertain Significance.

Labcorp Genetics (formerly Invitae), Labcorp
Classification: Uncertain significance for Ehlers-Danlos syndrome, type 4. Last evaluated: 2023-10-15. Review status: criteria provided, single submitter. Criteria: Invitae Variant Classification Sherloc (09022015). Collection method: clinical testing. Allele origin: germline.
Comment: This sequence change replaces proline, which is neutral and non-polar, with arginine, which is basic and polar, at codon 551 of the COL3A1 protein (p.Pro551Arg). This variant is not present in population databases (gnomAD no frequency). This variant has not been reported in the literature in individuals affected with COL3A1-related conditions. ClinVar contains an entry for this variant (Variation ID: 925259). Advanced modeling of protein sequence and biophysical properties (such as structural, functional, and spatial information, amino acid conservation, physicochemical variation, residue mobility, and thermodynamic stability) performed at Invitae indicates that this missense variant is not expected to disrupt COL3A1 protein function. In summary, the available evidence is currently insufficient to determine the role of this variant in disease. Therefore, it has been classified as a Variant of Uncertain Significance.